The following is an entry in ClinVar:

NM_004304.5(ALK):c.916G>A (p.Gly306Arg)

Gene: ALK (ALK receptor tyrosine kinase; minus strand). Cytogenetic location: 2p23.2.
Variant type: single nucleotide variant.
Coding change: c.916G>A on transcript NM_004304.5 (MANE Select); coding-DNA position 916, G replaced by A.
Protein change: p.Gly306Arg; replaces glycine 306 with arginine.
Molecular consequence: missense variant.
Genome position (GRCh38, 1-based): chr2:29,694,886, C>T on the plus strand (G>A on the coding strand, the complement: ALK is on the minus strand). VCF-style: chr2-29694886-C-T. GRCh37 (hg19) VCF-style: chr2-29917752-C-T.
Other names: c.916G>A (NM_004304.4); short protein forms G306R.
Identifiers: ClinVar variation 998990 (VCV000998990.9), dbSNP rs879113112, ClinGen allele CA44976844.

ClinVar aggregate classification (germline): Uncertain significance. Review status: criteria provided, multiple submitters, no conflicts (2 of 4 stars). 2 submissions from 2 submitters: Uncertain significance (2). Last evaluated 2025-10-01.

Conditions:
Neuroblastoma, susceptibility to, 3. Also called: ALK-Related Neuroblastic Tumor Susceptibility. Identifiers: Orphanet 635, MedGen C2751681, MONDO:0013083, OMIM 613014.
Hereditary cancer-predisposing syndrome. Also called: Neoplastic Syndromes, Hereditary; Hereditary neoplastic syndrome; Hereditary Cancer Syndrome; Tumor predisposition. Identifiers: Orphanet 140162, MedGen C0027672, MeSH D009386, MONDO:0015356.

Allele frequency attached by ClinVar (database versions not stated): gnomAD exomes below 0.00001.
gnomAD v4.1: 3 of 1,614,102 alleles (0.00019%); highest among the groups gnomAD compares: East Asian, 0.0022%; no homozygotes.

Submissions (2):

Labcorp Genetics (formerly Invitae), Labcorp
Classification: Uncertain significance for Neuroblastoma, susceptibility to, 3. Last evaluated: 2025-10-01. Review status: criteria provided, single submitter. Criteria: Invitae Variant Classification Sherloc (09022015). Collection method: clinical testing. Allele origin: germline.
Comment: This sequence change replaces glycine, which is neutral and non-polar, with arginine, which is basic and polar, at codon 306 of the ALK protein (p.Gly306Arg). This variant is not present in population databases (gnomAD no frequency). This variant has not been reported in the literature in individuals affected with ALK-related conditions. ClinVar contains an entry for this variant (Variation ID: 998990). An algorithm developed to predict the effect of missense changes on protein structure and function (PolyPhen-2) suggests that this variant is likely to be tolerated. In summary, the available evidence is currently insufficient to determine the role of this variant in disease. Therefore, it has been classified as a Variant of Uncertain Significance.

Ambry Genetics
Classification: Uncertain significance for Hereditary cancer-predisposing syndrome. Last evaluated: 2024-11-05. Review status: criteria provided, single submitter. Criteria: Ambry Variant Classification Scheme 2023. Collection method: clinical testing. Allele origin: germline.
Comment: The p.G306R variant (also known as c.916G>A), located in coding exon 3 of the ALK gene, results from a G to A substitution at nucleotide position 916. The glycine at codon 306 is replaced by arginine, an amino acid with dissimilar properties. This amino acid position is conserved. In addition, the in silico prediction for this alteration is inconclusive. Based on the available evidence, the clinical significance of this variant remains unclear.